The following is an entry in ClinVar:

NM_080424.4(SP110):c.2006G>A (p.Arg669His)

Gene: SP110 (SP110 nuclear body protein; minus strand). Cytogenetic location: 2q37.1.
Variant type: single nucleotide variant.
Coding change: c.2006G>A on transcript NM_080424.4 (MANE Select); coding-DNA position 2006, G replaced by A.
Protein change: p.Arg669His; replaces arginine 669 with histidine.
Molecular consequence: missense variant. On other transcripts: intron variant (1).
Genome position (GRCh38, 1-based): chr2:230,170,643, C>T on the plus strand (G>A on the coding strand, the complement: SP110 is on the minus strand). VCF-style: chr2-230170643-C-T. GRCh37 (hg19) VCF-style: chr2-231035359-C-T.
Other names: c.2102G>A, p.Arg701His (NM_001378442.1); c.2084G>A, p.Arg695His (NM_001378443.1); c.2024G>A, p.Arg675His (NM_001378444.1); c.1952G>A, p.Arg651His (NM_001378445.1); c.1934G>A, p.Arg645His (NM_004509.5); c.1834-1406G>A (NM_001378446.1); short protein forms R645H, R669H, R651H, R675H, R695H, R701H.
Identifiers: ClinVar variation 785725 (VCV000785725.14), dbSNP rs115347862, ClinGen allele CA2154274.
Genomic context (GRCh38, chr2:230,170,643, plus strand): 5'-AGAAAAGACGCAAAAAGGAAGCAGGAAATGCTCTTTACCTTGTAAAATGTTTTATGGTTG[C>T]GAAACATCAGGCGCATGTCTCGCACAAACCATGCCACCGTGTACATTTCCGTAATCAGCC-3'
Protein context (NP_536349.3, residues 659-679): WFVRDMRLMF[Arg669His]NHKTFYKASD

ClinVar aggregate classification (germline): Benign. Review status: criteria provided, multiple submitters, no conflicts (2 of 4 stars). 2 submissions from 2 submitters: Benign (2). Last evaluated 2026-02-02.

Conditions:
Hepatic veno-occlusive disease-immunodeficiency syndrome. Also called: Hepatic Veno-Occlusive Disease with Immunodeficiency. Identifiers: Orphanet 79124, MedGen C1856128, MONDO:0009338, OMIM 235550. Disease mechanism: loss of function.

Allele frequency attached by ClinVar (database versions not stated): ESP Exome Variant Server 0.00023; gnomAD 0.00044 and 0.00142; TOPMed 0.00089; gnomAD exomes 0.00329; ExAC 0.00358; 1000 Genomes Project 0.00879; 1000 Genomes Project 30x 0.00890.
gnomAD v4.1: 2,310 of 1,614,102 alleles (0.14%); highest among the groups gnomAD compares: South Asian, 1.6%; 22 homozygotes.

Submissions (2):

Labcorp Genetics (formerly Invitae), Labcorp
Classification: Benign for Hepatic veno-occlusive disease-immunodeficiency syndrome. Last evaluated: 2026-02-02. Review status: criteria provided, single submitter. Criteria: Invitae Variant Classification Sherloc (09022015). Collection method: clinical testing. Allele origin: germline.

Illumina Laboratory Services, Illumina
Classification: Benign for Hepatic veno-occlusive disease-immunodeficiency syndrome. Last evaluated: 2018-01-13. Review status: criteria provided, single submitter. Criteria: ICSL Variant Classification Criteria 13 December 2019. Collection method: clinical testing. Allele origin: germline.
Comment: This variant was observed in the ICSL laboratory as part of a predisposition screen in an ostensibly healthy population. It had not been previously curated by ICSL or reported in the Human Gene Mutation Database (HGMD: prior to June 1st, 2018), and was therefore a candidate for classification through an automated scoring system. Utilizing variant allele frequency, disease prevalence and penetrance estimates, and inheritance mode, an automated score was calculated to assess if this variant is too frequent to cause the disease. Based on the score and internal cut-off values, a variant classified as benign is not then subjected to further curation. The score for this variant resulted in a classification of benign for this disease.